The following is an entry in ClinVar:

NM_006796.3(AFG3L2):c.1712_1713del (p.Val571fs)

Gene: AFG3L2 (AFG3 like matrix AAA peptidase subunit 2; minus strand). Cytogenetic location: 18p11.21.
Variant type: Microsatellite.
Coding change: c.1712_1713del on transcript NM_006796.3 (MANE Select); coding-DNA positions 1712 to 1713, 2 bases deleted (TG; older notation c.1712_1713delTG).
Protein change: p.Val571fs; shifts the reading frame from valine 571.
Molecular consequence: frameshift variant.
Genome position (GRCh38, 1-based): chr18:12,344,198-12,344,199, CA deleted on the plus strand (TG on the coding strand, the reverse complement: AFG3L2 is on the minus strand); deleting any 2 consecutive bases within chr18:12,344,198-12,344,201 gives the same sequence; the c. name uses the placement nearest the transcript's 3' end. VCF-style (leftmost placement, unchanged base first): chr18-12344197-CCA-C. GRCh37 (hg19) VCF-style: chr18-12344196-CCA-C.
Other names: short protein forms V571fs.
Identifiers: ClinVar variation 805324 (VCV000805324.1), dbSNP rs1598825313, ClinGen allele CA915952450.

ClinVar aggregate classification (germline): Pathogenic (1 of 4 stars; one submission).

Submission:

Athena Diagnostics
Classification: Pathogenic. Last evaluated: 2019-04-29. Review status: criteria provided, single submitter. Criteria: Athena Diagnostics Criteria. Collection method: clinical testing. Allele origin: germline.
Comment: The variant results in a shift of the reading frame, and is therefore predicted to result in the loss of a functional protein. Found in at least one symptomatic patient, and not found in general population data.